The following is an entry in ClinVar:

ClinVar aggregate classification (germline): Likely benign. Review status: criteria provided, multiple submitters, no conflicts (2 of 4 stars). 2 submissions from 2 submitters: Likely benign (2). Last evaluated 2026-07-01.

gnomAD v4.1: 298 of 1,613,964 alleles (0.018%); highest among the groups gnomAD compares: South Asian, 0.28%; 5 homozygotes.

Submissions (2):

CeGaT Center for Human Genetics Tuebingen
Classification: Likely benign. Last evaluated: 2026-07-01. Review status: criteria provided, single submitter. Criteria: CeGaT Center For Human Genetics Tuebingen Variant Classification Criteria Version 2. Collection method: clinical testing. Allele origin: germline. Affected: yes. Observed: 1 variant allele.
Comment: GP1BA: BP4, BP7

Blueprint Genetics
Classification: Likely benign. Last evaluated: 2024-07-10. Review status: criteria provided, single submitter. Criteria: ACMG Guidelines, 2015. Collection method: clinical testing. Allele origin: germline.

NM_000173.7(GP1BA):c.420C>T (p.Gly140=)

Gene: GP1BA (glycoprotein Ib platelet subunit alpha; plus strand). Cytogenetic location: 17p13.2.
Variant type: single nucleotide variant.
Coding change: c.420C>T on transcript NM_000173.7 (MANE Select); coding-DNA position 420, C replaced by T.
Protein change: p.Gly140=; no amino-acid change (glycine 140 retained).
Molecular consequence: synonymous variant.
Genome position (GRCh38, 1-based): chr17:4,933,024, C>T. VCF-style: chr17-4933024-C-T. GRCh37 (hg19) VCF-style: chr17-4836319-C-T.
Identifiers: ClinVar variation 4932776 (VCV004932776.2).